The following is an entry in ClinVar:

NM_001348800.3(ZBTB20):c.12-1G>A

Genes: ZBTB20 (zinc finger and BTB domain containing 20; minus strand), ZBTB20-AS1 (ZBTB20 antisense RNA 1; plus strand). Cytogenetic location: 3q13.31.
Variant type: single nucleotide variant.
Coding change: c.12-1G>A on transcript NM_001348800.3 (MANE Select); the canonical splice acceptor site of the intron before coding-DNA position 12, G replaced by A.
Molecular consequence: splice acceptor variant.
Genome position (GRCh38, 1-based): chr3:114,380,405, C>T on the plus strand (G>A on the coding strand, the complement: ZBTB20 is on the minus strand). VCF-style: chr3-114380405-C-T. GRCh37 (hg19) VCF-style: chr3-114099252-C-T.
Other names: c.-208-1G>A (NM_015642.7, NM_001348801.3, NM_001348802.3 and 9 more transcripts); c.12-1G>A (NM_001348803.3, NM_001393393.1, NM_001393394.1 and 1 more transcripts).
Identifiers: ClinVar variation 2111378 (VCV002111378.4), dbSNP rs2549116195, ClinGen allele CA354021829.
Genomic context (GRCh38, chr3:114,380,405, plus strand): 5'-GGCTGAGTAATCTCATTCTCCTCAGATGCCTTCTGGTTTTCAGCTGTCTTGGGTTTCTTC[C>T]TGAAAATAAACAAAGGGCCCTTTGAAGGAACTGACTGCATATTTGGGAAAAGGCATTTTT-3'

ClinVar aggregate classification (germline): Likely pathogenic (1 of 4 stars; one submission).

Submission:

Labcorp Genetics (formerly Invitae), Labcorp
Classification: Likely pathogenic. Last evaluated: 2024-01-24. Review status: criteria provided, single submitter. Criteria: Invitae Variant Classification Sherloc (09022015). Collection method: clinical testing. Allele origin: germline.
Comment: This sequence change affects an acceptor splice site in intron 2 of the ZBTB20 gene. It is expected to disrupt RNA splicing. Variants that disrupt the donor or acceptor splice site typically lead to a loss of protein function (PMID: 16199547), and loss-of-function variants in ZBTB20 are known to be pathogenic (PMID: 32071410). This variant is not present in population databases (gnomAD no frequency). Disruption of this splice site has been observed in individual(s) with clinical features of ZBTB20-related conditions (Invitae). ClinVar contains an entry for this variant (Variation ID: 2111378). Algorithms developed to predict the effect of sequence changes on RNA splicing suggest that this variant may disrupt the consensus splice site. In summary, the currently available evidence indicates that the variant is pathogenic, but additional data are needed to prove that conclusively. Therefore, this variant has been classified as Likely Pathogenic.

Literature cited by the submitters: PubMed 16199547; PubMed 32071410.